The following is an entry in ClinVar:

ClinVar aggregate classification (germline): Uncertain significance. Review status: criteria provided, single submitter (1 of 4 stars). 2 submissions from 2 submitters: Uncertain significance (1). 1 of the submissions does not count toward it. Last evaluated 2022-08-16.

Conditions:
Glycine encephalopathy. Also called: Nonketotic hyperglycinemia; Non-ketotic hyperglycinemia. Identifiers: Orphanet 407, MedGen C0751748, MONDO:0011612, HP:0008288.

Allele frequency attached by ClinVar (database versions not stated): gnomAD 0.00001; gnomAD exomes 0.00001; TOPMed 0.00001.
gnomAD v4.1: 8 of 1,601,412 alleles (0.0005%); highest among the groups gnomAD compares: African/African-American, 0.0014%; no homozygotes.

Submissions (2):

Labcorp Genetics (formerly Invitae), Labcorp
Classification: Uncertain significance for Glycine encephalopathy. Last evaluated: 2022-08-16. Review status: criteria provided, single submitter. Criteria: Invitae Variant Classification Sherloc (09022015). Collection method: clinical testing. Allele origin: germline.
Comment: This sequence change replaces glutamic acid, which is acidic and polar, with glycine, which is neutral and non-polar, at codon 77 of the GLDC protein (p.Glu77Gly). The frequency data for this variant in the population databases is considered unreliable, as metrics indicate poor data quality at this position in the gnomAD database. This variant has not been reported in the literature in individuals affected with GLDC-related conditions. ClinVar contains an entry for this variant (Variation ID: 1020415). Advanced modeling of protein sequence and biophysical properties (such as structural, functional, and spatial information, amino acid conservation, physicochemical variation, residue mobility, and thermodynamic stability) performed at Invitae indicates that this missense variant is not expected to disrupt GLDC protein function. In summary, the available evidence is currently insufficient to determine the role of this variant in disease. Therefore, it has been classified as a Variant of Uncertain Significance.

Natera, Inc.
Classification: Uncertain significance for Non-ketotic hyperglycinemia. Last evaluated: 2021-06-11. Review status: no assertion criteria provided. Collection method: clinical testing. Allele origin: germline. Not counted in ClinVar's aggregate classification.

NM_000170.3(GLDC):c.230A>G (p.Glu77Gly)

Gene: GLDC (glycine decarboxylase; minus strand). Cytogenetic location: 9p24.1.
Variant type: single nucleotide variant.
Coding change: c.230A>G on transcript NM_000170.3 (MANE Select); coding-DNA position 230, A replaced by G.
Protein change: p.Glu77Gly; replaces glutamic acid 77 with glycine.
Molecular consequence: missense variant.
Genome position (GRCh38, 1-based): chr9:6,645,270, T>C on the plus strand (A>G on the coding strand, the complement: GLDC is on the minus strand). VCF-style: chr9-6645270-T-C. GRCh37 (hg19) VCF-style: chr9-6645270-T-C.
Other names: short protein forms E77G.
Identifiers: ClinVar variation 1020415 (VCV001020415.9), dbSNP rs569728662, ClinGen allele CA188663025.
Genomic context (GRCh38, chr9:6,645,270, plus strand): 5'-GGGGAGGCCGCGGAGGGCCGGGTGGAGGTCCTTACCGCCAGCCCCAAGGTCTGCAGCATC[T>C]CTCTCTGGTCTTTGTCCCCAGGGCCGATGTGCCTCCGAGCGAAGTCGTCGTGTCTGGGCA-3'
Protein context (NP_000161.2, residues 67-87): HIGPGDKDQR[Glu77Gly]MLQTLGLASI